The following is an entry in ClinVar:

NM_001130438.3(SPTAN1):c.895G>T (p.Gly299Cys)

Gene: SPTAN1 (spectrin alpha, non-erythrocytic 1; plus strand). Cytogenetic location: 9q34.11.
Variant type: single nucleotide variant.
Coding change: c.895G>T on transcript NM_001130438.3 (MANE Select); coding-DNA position 895, G replaced by T.
Protein change: p.Gly299Cys; replaces glycine 299 with cysteine.
Molecular consequence: missense variant.
Genome position (GRCh38, 1-based): chr9:128,577,238, G>T. VCF-style: chr9-128577238-G-T. GRCh37 (hg19) VCF-style: chr9-131339517-G-T.
Other names: c.895G>T, p.Gly299Cys (NM_001195532.2, NM_001363759.2, NM_001363765.2 and 5 more transcripts); c.931G>T, p.Gly311Cys (NM_001375312.2, NM_001375318.1); short protein forms G311C, G299C.
Identifiers: ClinVar variation 3687721 (VCV003687721.2).

ClinVar aggregate classification (germline): Uncertain significance (1 of 4 stars; one submission).

Conditions:
Early-infantile DEE. Also called: Ohtahara syndrome; Early infantile epileptic encephalopathy with suppression bursts; Early infantile epileptic encephalopathy. Identifiers: Orphanet 1934, MedGen C0393706, MONDO:0800491.

Submission:

Labcorp Genetics (formerly Invitae), Labcorp
Classification: Uncertain significance for Early-infantile DEE. Last evaluated: 2024-10-24. Review status: criteria provided, single submitter. Criteria: Invitae Variant Classification Sherloc (09022015). Collection method: clinical testing. Allele origin: germline.
Comment: This sequence change replaces glycine, which is neutral and non-polar, with cysteine, which is neutral and slightly polar, at codon 299 of the SPTAN1 protein (p.Gly299Cys). This variant is not present in population databases (gnomAD no frequency). This variant has not been reported in the literature in individuals affected with SPTAN1-related conditions. Invitae Evidence Modeling of protein sequence and biophysical properties (such as structural, functional, and spatial information, amino acid conservation, physicochemical variation, residue mobility, and thermodynamic stability) has been performed for this missense variant. However, the output from this modeling did not meet the statistical confidence thresholds required to predict the impact of this variant on SPTAN1 protein function. In summary, the available evidence is currently insufficient to determine the role of this variant in disease. Therefore, it has been classified as a Variant of Uncertain Significance.